The following is an entry in ClinVar:

ClinVar aggregate classification (germline): Uncertain significance (1 of 4 stars; one submission).

Submission:

Women's Health and Genetics/Laboratory Corporation of America, LabCorp
Classification: Uncertain significance. Last evaluated: 2023-05-30. Review status: criteria provided, single submitter. Criteria: LabCorp Variant Classification Summary - May 2015. Collection method: clinical testing. Allele origin: germline.
Comment: Variant summary: NF1 c.2850+17T>A alters a non-conserved nucleotide located close to a canonical splice site and therefore could affect mRNA splicing, leading to a significantly altered protein sequence. 4/4 computational tools predict no significant impact on normal splicing. However, these predictions have yet to be confirmed by functional studies. The variant was absent in 249312 control chromosomes (gnomAD). The available data on variant occurrences in the general population are insufficient to allow any conclusion about variant significance. To our knowledge, no occurrence of c.2850+17T>A in individuals affected with Neurofibromatosis Type 1 and no experimental evidence demonstrating its impact on protein function have been reported. No clinical diagnostic laboratories have submitted clinical-significance assessments for this variant to ClinVar after 2014. Based on the evidence outlined above, the variant was classified as uncertain significance.

NM_001042492.3(NF1):c.2850+17T>A

Gene: NF1 (neurofibromin 1; plus strand). Cytogenetic location: 17q11.2.
Variant type: single nucleotide variant.
Coding change: c.2850+17T>A on transcript NM_001042492.3 (MANE Select); 17 bases into the intron after coding-DNA position 2850, T replaced by A.
Molecular consequence: intron variant.
Genome position (GRCh38, 1-based): chr17:31,229,482, T>A. VCF-style: chr17-31229482-T-A. GRCh37 (hg19) VCF-style: chr17-29556500-T-A.
Other names: c.2850+17T>A (NM_000267.4).
Identifiers: ClinVar variation 2506167 (VCV002506167.1), dbSNP rs1410636379, ClinGen allele CA2580614102.